The following is an entry in ClinVar:

NM_002546.4(TNFRSF11B):c.577C>A (p.Gln193Lys)

Gene: TNFRSF11B (TNF receptor superfamily member 11b; minus strand). Cytogenetic location: 8q24.12.
Variant type: single nucleotide variant.
Coding change: c.577C>A on transcript NM_002546.4 (MANE Select); coding-DNA position 577, C replaced by A.
Protein change: p.Gln193Lys; replaces glutamine 193 with lysine.
Molecular consequence: missense variant.
Genome position (GRCh38, 1-based): chr8:118,928,753, G>T on the plus strand (C>A on the coding strand, the complement: TNFRSF11B is on the minus strand). VCF-style: chr8-118928753-G-T. GRCh37 (hg19) VCF-style: chr8-119940992-G-T.
Other names: short protein forms Q193K.
Identifiers: ClinVar variation 4805826 (VCV004805826.1).

ClinVar aggregate classification (germline): Uncertain significance (1 of 4 stars; one submission).

gnomAD v4.1: 2 of 1,614,110 alleles (0.00012%); highest among the groups gnomAD compares: Non-Finnish European, 0.00017%; no homozygotes.

Submission:

Labcorp Genetics (formerly Invitae), Labcorp
Classification: Uncertain significance. Last evaluated: 2025-06-29. Review status: criteria provided, single submitter. Criteria: Invitae Variant Classification Sherloc (09022015). Collection method: clinical testing. Allele origin: germline.
Comment: This sequence change replaces glutamine, which is neutral and polar, with lysine, which is basic and polar, at codon 193 of the TNFRSF11B protein (p.Gln193Lys). This variant is present in population databases (no rsID available, gnomAD 0.0009%). This variant has not been reported in the literature in individuals affected with TNFRSF11B-related conditions. Invitae Evidence Modeling of protein sequence and biophysical properties (such as structural, functional, and spatial information, amino acid conservation, physicochemical variation, residue mobility, and thermodynamic stability) indicates that this missense variant is not expected to disrupt TNFRSF11B protein function with a negative predictive value of 80%. In summary, the available evidence is currently insufficient to determine the role of this variant in disease. Therefore, it has been classified as a Variant of Uncertain Significance.